The following is an entry in ClinVar:

NM_032043.3(BRIP1):c.1639G>T (p.Asp547Tyr)

Gene: BRIP1 (BRCA1 interacting DNA helicase 1; minus strand). Cytogenetic location: 17q23.2.
Variant type: single nucleotide variant.
Coding change: c.1639G>T on transcript NM_032043.3 (MANE Select); coding-DNA position 1639, G replaced by T.
Protein change: p.Asp547Tyr; replaces aspartic acid 547 with tyrosine.
Molecular consequence: missense variant.
Genome position (GRCh38, 1-based): chr17:61,780,995, C>A on the plus strand (G>T on the coding strand, the complement: BRIP1 is on the minus strand). VCF-style: chr17-61780995-C-A. GRCh37 (hg19) VCF-style: chr17-59858356-C-A.
Other names: short protein forms D547Y.
Identifiers: ClinVar variation 1910668 (VCV001910668.5), dbSNP rs2145097669, ClinGen allele CA400480568.
Genomic context (GRCh38, chr17:61,780,995, plus strand): 5'-TGTCTGAAATATCAATCTGATTTGTCCAGGAGTAAGTCTGTTGAATCGCAATTTTATAAT[C>A]ATCTGCAAATCTAGATGCAAAGAAAGTGCTAATTAAGTGGCAAAACTTTTAAAACCTATG-3'
Protein context (NP_114432.2, residues 537-557): LFRQNSRFAD[Asp547Tyr]YKIAIQQTYS

ClinVar aggregate classification (germline): Uncertain significance (1 of 4 stars; one submission).

Conditions:
Familial cancer of breast. Also called: BREAST CANCER, FAMILIAL; hereditary breast carcinoma; Hereditary breast cancer. Identifiers: Orphanet 227535, MedGen C0346153, MONDO:0016419, OMIM 114480. Disease mechanism: loss of function.
Fanconi anemia complementation group J. Also called: BRIP1-Related Fanconi Anemia. Identifiers: Orphanet 84, MedGen C1836860, MONDO:0012187, OMIM 609054.

Submission:

Labcorp Genetics (formerly Invitae), Labcorp
Classification: Uncertain significance for Familial cancer of breast; Fanconi anemia complementation group J. Last evaluated: 2022-06-19. Review status: criteria provided, single submitter. Criteria: Invitae Variant Classification Sherloc (09022015). Collection method: clinical testing. Allele origin: germline.
Comment: This sequence change replaces aspartic acid, which is acidic and polar, with tyrosine, which is neutral and polar, at codon 547 of the BRIP1 protein (p.Asp547Tyr). This variant is not present in population databases (gnomAD no frequency). This variant has not been reported in the literature in individuals affected with BRIP1-related conditions. Advanced modeling of protein sequence and biophysical properties (such as structural, functional, and spatial information, amino acid conservation, physicochemical variation, residue mobility, and thermodynamic stability) performed at Invitae indicates that this missense variant is expected to disrupt BRIP1 protein function. In summary, the available evidence is currently insufficient to determine the role of this variant in disease. Therefore, it has been classified as a Variant of Uncertain Significance.